The following is an entry in ClinVar:

NM_002386.4(MC1R):c.945C>G (p.Cys315Trp)

Gene: MC1R (melanocortin 1 receptor; plus strand). Cytogenetic location: 16q24.3.
Variant type: single nucleotide variant.
Coding change: c.945C>G on transcript NM_002386.4 (MANE Select); coding-DNA position 945, C replaced by G.
Protein change: p.Cys315Trp; replaces cysteine 315 with tryptophan.
Molecular consequence: missense variant.
Genome position (GRCh38, 1-based): chr16:89,920,203, C>G. VCF-style: chr16-89920203-C-G. GRCh37 (hg19) VCF-style: chr16-89986611-C-G.
Other names: short protein forms C315W.
Identifiers: ClinVar variation 4859643 (VCV004859643.1).

ClinVar aggregate classification (germline): Uncertain significance (1 of 4 stars; one submission).

Submission:

Ambry Genetics
Classification: Uncertain significance. Last evaluated: 2026-03-23. Review status: criteria provided, single submitter. Criteria: Ambry Variant Classification Scheme 2023. Collection method: clinical testing. Allele origin: germline.
Comment: The p.C315W variant (also known as c.945C>G), located in coding exon 1 of the MC1R gene, results from a C to G substitution at nucleotide position 945. The cysteine at codon 315 is replaced by tryptophan, an amino acid with highly dissimilar properties. This amino acid position is conserved. In addition, the in silico prediction for this alteration is inconclusive. Based on the available evidence, the clinical significance of this variant remains unclear.